The following is an entry in ClinVar:

ClinVar aggregate classification (germline): Pathogenic. Review status: criteria provided, multiple submitters, no conflicts (2 of 4 stars). 2 submissions from 2 submitters: Pathogenic (2). Last evaluated 2025-01-30.

Conditions:
Bainbridge-Ropers syndrome. Also called: Severe feeding difficulties-failure to thrive-microcephaly due to ASXL3 deficiency syndrome. Identifiers: Orphanet 352577, MedGen C4750837, MONDO:0014205, OMIM 615485.

Submissions (2):

Medgenome Labs Ltd
Classification: Pathogenic for Bainbridge-Ropers syndrome. Last evaluated: 2025-01-30. Review status: criteria provided, single submitter. Criteria: ACMG Guidelines, 2015. Collection method: clinical testing. Allele origin: germline. Affected: yes.

GeneDx
Classification: Pathogenic. Last evaluated: 2018-09-27. Review status: criteria provided, single submitter. Criteria: GeneDx Variant Classification (06012015). Collection method: clinical testing. Allele origin: germline. Affected: yes.
Comment: The c.1095_1096delAA variant in the ASXL3 gene has not been reported previously as a pathogenic variant nor as a benign variant, to our knowledge. This variant causes a frameshift starting with codon Glutamic Acid 367, changes this amino acid to a Glycine residue, and creates a premature Stop codon at position 17 of the new reading frame, denoted p.Glu367GlyfsX17. This variant is predicted to cause loss of normal protein function either through protein truncation or nonsense-mediated mRNA decay. The c.1095_1096delAA variant is not observed in large population cohorts (Lek et al., 2016). We interpret c.1095_1096delAA as a pathogenic variant.

Literature cited by the submitters: PubMed 34436830 (cited by Medgenome Labs Ltd).

NM_030632.3(ASXL3):c.1095_1096del (p.Glu367fs)

Gene: ASXL3 (ASXL transcriptional regulator 3; plus strand). Cytogenetic location: 18q12.1.
Variant type: Deletion.
Coding change: c.1095_1096del on transcript NM_030632.3 (MANE Select); coding-DNA positions 1095 to 1096, 2 bases deleted (AA; older notation c.1095_1096delAA).
Protein change: p.Glu367fs; shifts the reading frame from glutamic acid 367.
Molecular consequence: frameshift variant.
Genome position (GRCh38, 1-based): chr18:33,738,499-33,738,500, AA deleted. VCF-style (leftmost placement, unchanged base first): chr18-33738498-CAA-C. GRCh37 (hg19) VCF-style: chr18-31318462-CAA-C.
Other names: short protein forms E367fs.
Identifiers: ClinVar variation 817229 (VCV000817229.2), dbSNP rs1599562180, ClinGen allele CA915951348.